The following is an entry in ClinVar:

ClinVar aggregate classification (germline): Likely benign. Review status: criteria provided, multiple submitters, no conflicts (2 of 4 stars). 3 submissions from 3 submitters: Likely benign (3). Last evaluated 2024-01-29.

Conditions:
Inborn genetic diseases. Identifiers: MedGen C0950123, MeSH D030342.

Allele frequency attached by ClinVar (database versions not stated): ExAC 0.00001; gnomAD 0.00001; gnomAD exomes 0.00001; TOPMed 0.00003.
gnomAD v4.1: 9 of 1,612,702 alleles (0.00056%); highest among the groups gnomAD compares: Admixed American, 0.0067%; no homozygotes.

Submissions (3):

Labcorp Genetics (formerly Invitae), Labcorp
Classification: Likely benign. Last evaluated: 2024-01-29. Review status: criteria provided, single submitter. Criteria: Invitae Variant Classification Sherloc (09022015). Collection method: clinical testing. Allele origin: germline.

CeGaT Center for Human Genetics Tuebingen
Classification: Likely benign. Last evaluated: 2022-10-01. Review status: criteria provided, single submitter. Criteria: CeGaT Center For Human Genetics Tuebingen Variant Classification Criteria Version 2. Collection method: clinical testing. Allele origin: germline. Affected: yes. Observed: 2 variant alleles.
Comment: ARID1B: BP4, BP7

Ambry Genetics
Classification: Likely benign for Inborn genetic diseases. Last evaluated: 2017-09-22. Review status: criteria provided, single submitter. Criteria: Ambry Variant Classification Scheme 2023. Collection method: clinical testing. Allele origin: germline.

NM_001374828.1(ARID1B):c.1987-29739A>G

Gene: ARID1B (AT-rich interaction domain 1B; plus strand). Cytogenetic location: 6q25.3.
Variant type: single nucleotide variant.
Coding change: c.1987-29739A>G on transcript NM_001374828.1 (MANE Select); 29739 bases into the intron before coding-DNA position 1987, A replaced by G.
Molecular consequence: intron variant. On other transcripts: synonymous variant (3).
Genome position (GRCh38, 1-based): chr6:156,871,637, A>G. VCF-style: chr6-156871637-A-G. GRCh37 (hg19) VCF-style: chr6-157192771-A-G.
Other names: c.2010A>G, p.Lys670= (NM_001371656.1, NM_001374820.1); c.1761A>G, p.Lys587= (NM_020732.3); c.1987-29739A>G (NM_017519.3).
Identifiers: ClinVar variation 1779584 (VCV001779584.29), dbSNP rs778414103, ClinGen allele CA4066876.
Genomic context (GRCh38, chr6:156,871,637, plus strand): 5'-ACTGTTGCTCCTAATTACTGTTTTATCCTACTTTTAGGACTCTGGAGATGCCACATGGAA[A>G]GAAACATTCTGGTTGGCAAGTATCTTCTTACATGCTCTTACTTGCTCCAAGTCTTTGGGA-3'